The following is an entry in ClinVar:

ClinVar aggregate classification (germline): Uncertain significance (1 of 4 stars; one submission).

Allele frequency attached by ClinVar (database versions not stated): ExAC 0.00003; TOPMed 0.00003; gnomAD exomes 0.00004 and 0.00005; gnomAD 0.00005 and 0.00006; 1000 Genomes Project 0.00020.
gnomAD v4.1: 73 of 1,546,692 alleles (0.0047%); highest among the groups gnomAD compares: East Asian, 0.021%; no homozygotes.

Submission:

Labcorp Genetics (formerly Invitae), Labcorp
Classification: Uncertain significance. Last evaluated: 2024-08-05. Review status: criteria provided, single submitter. Criteria: Invitae Variant Classification Sherloc (09022015). Collection method: clinical testing. Allele origin: germline.
Comment: This sequence change falls in intron 13 of the MICAL1 gene. It does not directly change the encoded amino acid sequence of the MICAL1 protein. This variant is present in population databases (rs545532723, gnomAD 0.02%). This variant has not been reported in the literature in individuals affected with MICAL1-related conditions. ClinVar contains an entry for this variant (Variation ID: 1478076). Algorithms developed to predict the effect of sequence changes on RNA splicing suggest that this variant may disrupt the consensus splice site. In summary, the available evidence is currently insufficient to determine the role of this variant in disease. Therefore, it has been classified as a Variant of Uncertain Significance.

NM_022765.4(MICAL1):c.1855+18C>T

Gene: MICAL1 (microtubule associated monooxygenase, calponin and LIM domain containing 1; minus strand). Cytogenetic location: 6q21.
Variant type: single nucleotide variant.
Coding change: c.1855+18C>T on transcript NM_022765.4 (MANE Select); 18 bases into the intron after coding-DNA position 1855, C replaced by T.
Molecular consequence: intron variant.
Genome position (GRCh38, 1-based): chr6:109,448,185, G>A on the plus strand (C>T on the coding strand, the complement: MICAL1 is on the minus strand). VCF-style: chr6-109448185-G-A. GRCh37 (hg19) VCF-style: chr6-109769388-G-A.
Other names: c.1912+18C>T (NM_001286613.2); c.1597+18C>T (NM_001159291.2).
Identifiers: ClinVar variation 1478076 (VCV001478076.6), dbSNP rs545532723, ClinGen allele CA3953202.